The following is an entry in ClinVar:

NM_002528.7(NTHL1):c.7G>C (p.Ala3Pro)

Gene: NTHL1 (nth like DNA glycosylase 1; minus strand). Cytogenetic location: 16p13.3.
Variant type: single nucleotide variant.
Coding change: c.7G>C on transcript NM_002528.7 (MANE Select); coding-DNA position 7, G replaced by C.
Protein change: p.Ala3Pro; replaces alanine 3 with proline.
Molecular consequence: missense variant. On other transcripts: 5 prime UTR variant (1).
Genome position (GRCh38, 1-based): chr16:2,047,817, C>G on the plus strand (G>C on the coding strand, the complement: NTHL1 is on the minus strand). VCF-style: chr16-2047817-C-G. GRCh37 (hg19) VCF-style: chr16-2097818-C-G.
Other names: c.7G>C, p.Ala3Pro (NM_001318193.2); c.-172G>C (NM_001318194.2); short protein forms A3P.
Identifiers: ClinVar variation 1055205 (VCV001055205.10), dbSNP rs753350404, ClinGen allele CA394298701.

ClinVar aggregate classification (germline): Uncertain significance. Review status: criteria provided, multiple submitters, no conflicts (2 of 4 stars). 2 submissions from 2 submitters: Uncertain significance (2). Last evaluated 2024-08-31.

Conditions:
Hereditary cancer-predisposing syndrome. Also called: Hereditary Cancer Syndrome; Tumor predisposition; Hereditary neoplastic syndrome; Neoplastic Syndromes, Hereditary. Identifiers: Orphanet 140162, MedGen C0027672, MeSH D009386, MONDO:0015356.

Submissions (2):

Labcorp Genetics (formerly Invitae), Labcorp
Classification: Uncertain significance. Last evaluated: 2024-08-31. Review status: criteria provided, single submitter. Criteria: Invitae Variant Classification Sherloc (09022015). Collection method: clinical testing. Allele origin: germline.
Comment: This sequence change replaces alanine, which is neutral and non-polar, with proline, which is neutral and non-polar, at codon 11 of the NTHL1 protein (p.Ala11Pro). This variant is not present in population databases (gnomAD no frequency). This variant has not been reported in the literature in individuals affected with NTHL1-related conditions. ClinVar contains an entry for this variant (Variation ID: 1055205). An algorithm developed to predict the effect of missense changes on protein structure and function (PolyPhen-2) suggests that this variant is likely to be tolerated. In summary, the available evidence is currently insufficient to determine the role of this variant in disease. Therefore, it has been classified as a Variant of Uncertain Significance.

Ambry Genetics
Classification: Uncertain significance for Hereditary cancer-predisposing syndrome. Last evaluated: 2024-08-20. Review status: criteria provided, single submitter. Criteria: Ambry Variant Classification Scheme 2023. Collection method: clinical testing. Allele origin: germline.
Comment: The p.A11P variant (also known as c.31G>C), located in coding exon 1 of the NTHL1 gene, results from a G to C substitution at nucleotide position 31. The alanine at codon 11 is replaced by proline, an amino acid with highly similar properties. This amino acid position is conserved. In addition, this alteration is predicted to be tolerated by in silico analysis. Since supporting evidence is limited at this time, the clinical significance of this alteration remains unclear.